The following is an entry in ClinVar:

NM_004336.5(BUB1):c.159G>A (p.Met53Ile)

Gene: BUB1 (BUB1 mitotic checkpoint serine/threonine kinase; minus strand). Cytogenetic location: 2q13.
Variant type: single nucleotide variant.
Coding change: c.159G>A on transcript NM_004336.5 (MANE Select); coding-DNA position 159, G replaced by A.
Protein change: p.Met53Ile; replaces methionine 53 with isoleucine.
Molecular consequence: missense variant.
Genome position (GRCh38, 1-based): chr2:110,674,152, C>T on the plus strand (G>A on the coding strand, the complement: BUB1 is on the minus strand). VCF-style: chr2-110674152-C-T. GRCh37 (hg19) VCF-style: chr2-111431729-C-T.
Other names: c.99G>A, p.Met33Ile (NM_001278616.2); c.159G>A, p.Met53Ile (NM_001278617.2); short protein forms M33I, M53I.
Identifiers: ClinVar variation 1776096 (VCV001776096.3), dbSNP rs2468038656, ClinGen allele CA348221311.
Genomic context (GRCh38, chr2:110,674,152, plus strand): 5'-TAAACAATAACTGATGAATCTTGGGTCATTGTGGTATTTCTTCTTATCTAAAAATTCCTT[C>T]ATTAAATGTTCTAGTAAAGTTATCAAGTATTCTTTATTCTCAGGAAAATTCTCTTCTACC-3'
Protein context (NP_004327.1, residues 43-63): EYLITLLEHL[Met53Ile]KEFLDKKKYH

ClinVar aggregate classification (germline): Uncertain significance (1 of 4 stars; one submission).

Submission:

Ambry Genetics
Classification: Uncertain significance. Last evaluated: 2022-10-31. Review status: criteria provided, single submitter. Criteria: Ambry Variant Classification Scheme 2023. Collection method: clinical testing. Allele origin: germline.
Comment: The p.M53I variant (also known as c.159G>A), located in coding exon 3 of the BUB1 gene, results from a G to A substitution at nucleotide position 159. The methionine at codon 53 is replaced by isoleucine, an amino acid with highly similar properties. This amino acid position is conserved. In addition, this alteration is predicted to be tolerated by in silico analysis. Since supporting evidence is limited at this time, the clinical significance of this alteration remains unclear.